The following is an entry in ClinVar:

NM_138711.6(PPARG):c.729+73G>A

Genes: PPARG (peroxisome proliferator activated receptor gamma; plus strand), LOC114803475 (PPARG eExon liver enhancer; plus strand). Cytogenetic location: 3p25.2.
Variant type: single nucleotide variant.
Coding change: c.729+73G>A on transcript NM_138711.6 (MANE Select); 73 bases into the intron after coding-DNA position 729, G replaced by A.
Molecular consequence: intron variant. On other transcripts: 3 prime UTR variant (2).
Genome position (GRCh38, 1-based): chr3:12,406,154, G>A. VCF-style: chr3-12406154-G-A. GRCh37 (hg19) VCF-style: chr3-12447653-G-A.
Other names: c.*7G>A (NM_001354668.2, NM_001354670.2); c.729+73G>A (NM_001354666.3, NM_138712.5, NM_005037.7 and 6 more transcripts); c.103-10550G>A (NM_001354669.2); c.653+155G>A (NM_001374266.1); c.819+73G>A (NM_015869.5, NM_001374265.1).
Identifiers: ClinVar variation 3033685 (VCV003033685.2), dbSNP rs774318435, ClinGen allele CA2258261.

ClinVar aggregate classification (germline): Likely benign (0 of 4 stars; one submission).

Conditions:
PPARG-related disorder. Also called: PPARG-related condition; PPARG-related disorders.

Allele frequency attached by ClinVar (database versions not stated): ExAC 0.00005.
gnomAD v4.1: 20 of 1,367,196 alleles (0.0015%); highest among the groups gnomAD compares: Admixed American, 0.031%; no homozygotes.

Submission:

PreventionGenetics, part of Exact Sciences
Classification: Likely benign for PPARG-related condition. Last evaluated: 2022-10-14. Review status: no assertion criteria provided. Collection method: clinical testing. Allele origin: germline.
Comment: This variant is classified as likely benign based on ACMG/AMP sequence variant interpretation guidelines (Richards et al. 2015 PMID: 25741868, with internal and published modifications).